The following is an entry in ClinVar:

ClinVar aggregate classification (germline): Uncertain significance. Review status: criteria provided, multiple submitters, no conflicts (2 of 4 stars). 3 submissions from 3 submitters: Uncertain significance (3). Last evaluated 2025-05-06.

Conditions:
Inborn genetic diseases. Identifiers: MedGen C0950123, MeSH D030342.
Hereditary cancer-predisposing syndrome. Also called: Hereditary Cancer Syndrome; Tumor predisposition; Neoplastic Syndromes, Hereditary; Hereditary neoplastic syndrome. Identifiers: Orphanet 140162, MedGen C0027672, MeSH D009386, MONDO:0015356.
Acute myeloid leukemia (AML). Also called: Leukemia, acute myeloid, somatic; Leukemia, acute myelogenous, somatic; Acute myeloid leukemia, adult; AML adult; Acute non-lymphocytic leukemia; Acute granulocytic leukemia. Identifiers: Orphanet 519, MedGen C0023467, MeSH D015470, MONDO:0018874, OMIM 601626, HP:0004808. Disease mechanism: Constitutively activated FLT3.

Submissions (3):

Ambry Genetics
Classification: Uncertain significance for Inborn genetic diseases. Last evaluated: 2025-05-06. Review status: criteria provided, single submitter. Criteria: Ambry Variant Classification Scheme 2023. Collection method: clinical testing. Allele origin: germline.
Comment: The c.578_589dup12 variant (also known as p.H193_P196dup), located in coding exon 1 of the CEBPA gene, results from an in-frame duplication of 12 nucleotides at nucleotide positions 578 to 589. This results in the duplication of 4 extra residues (HPHP) between codons 193 and 196. This amino acid region is well conserved in available vertebrate species. In addition, this alteration is predicted to be neutral by in silico analysis (Choi Y et al. PLoS ONE. 2012; 7(10):e46688). Based on the available evidence, the clinical significance of this variant remains unclear.

Labcorp Genetics (formerly Invitae), Labcorp
Classification: Uncertain significance for Acute myeloid leukemia. Last evaluated: 2024-09-30. Review status: criteria provided, single submitter. Criteria: Invitae Variant Classification Sherloc (09022015). Collection method: clinical testing. Allele origin: germline.
Comment: This variant, c.578_589dup, results in the insertion of 4 amino acid(s) of the CEBPA protein (p.His193_Pro196dup), but otherwise preserves the integrity of the reading frame. The frequency data for this variant in the population databases is considered unreliable, as metrics indicate poor data quality at this position in the gnomAD database. This variant has not been reported in the literature in individuals affected with CEBPA-related conditions. ClinVar contains an entry for this variant (Variation ID: 408758). In summary, the available evidence is currently insufficient to determine the role of this variant in disease. Therefore, it has been classified as a Variant of Uncertain Significance.

Sema4
Classification: Uncertain significance for Hereditary cancer-predisposing syndrome. Last evaluated: 2021-09-16. Review status: criteria provided, single submitter. Criteria: Sema4 Curation Guidelines. Collection method: curation. Allele origin: germline.
Comment: The CEBPA c.578_589dup (p.H193_P196dup) variant has not been reported in literature to our knowledge. This variant was observed in 1/26916 chromosomes in all populations assessed in the the large and broad cohorts of the Genome Aggregation Database (PMID: 32461654). This variant has been reported in ClinVar (Variation ID 408758). Functional studies have not been performed, and in silico predictions of the variant's effect on protein function are not available. The overall evidence is insufficient to meet ACMG/AMP criteria for classifying it as benign or pathogenic. In summary, the clinical significance of this variant is currently uncertain.

NM_004364.5(CEBPA):c.572ACCCGC[5] (p.191HP[5])

Gene: CEBPA (CCAAT enhancer binding protein alpha; minus strand). Cytogenetic location: 19q13.11.
Variant type: Microsatellite.
Coding change: c.572ACCCGC[5] on transcript NM_004364.5 (MANE Select); five copies in a row of the 6-base unit ACCCGC starting at c.572; the reference has three copies in a row; two copies, 12 bases duplicated.
Protein change: p.191HP[5].
Molecular consequence: inframe insertion.
Genome position (GRCh38, 1-based): chr19:33,301,826-33,301,837, GCGGGTGCGGGT duplicated on the plus strand (ACCCGCACCCGC on the coding strand, the reverse complement: CEBPA is on the minus strand); duplicating any 12 consecutive bases within chr19:33,301,826-33,301,846 gives the same sequence; the position shown is the placement nearest the transcript's 3' end. VCF-style (leftmost placement, unchanged base first): chr19-33301825-G-GGCGGGTGCGGGT. GRCh37 (hg19) VCF-style: chr19-33792731-G-GGCGGGTGCGGGT.
Other names: c.578_589dupACCCGCACCCGC (NM_004364.4); c.215ACCCGC[5], p.72HP[5] (NM_001285829.2); c.677ACCCGC[5], p.226HP[5] (NM_001287424.2); c.530ACCCGC[5], p.177HP[5] (NM_001287435.2).
Identifiers: ClinVar variation 408758 (VCV000408758.12), dbSNP rs762459325, ClinGen allele CA16616245.